The following is an entry in ClinVar:

NM_005188.4(CBL):c.1498C>T (p.Leu500Phe)

Gene: CBL (Cbl proto-oncogene; plus strand). Cytogenetic location: 11q23.3.
Variant type: single nucleotide variant.
Coding change: c.1498C>T on transcript NM_005188.4 (MANE Select); coding-DNA position 1498, C replaced by T.
Protein change: p.Leu500Phe; replaces leucine 500 with phenylalanine.
Molecular consequence: missense variant.
Genome position (GRCh38, 1-based): chr11:119,285,035, C>T. VCF-style: chr11-119285035-C-T. GRCh37 (hg19) VCF-style: chr11-119155745-C-T.
Other names: c.1498C>T (NM_005188.2); short protein forms L500F.
Identifiers: ClinVar variation 813639 (VCV000813639.5), dbSNP rs1949969949, ClinGen allele CA382918099.
Genomic context (GRCh38, chr11:119,285,035, plus strand): 5'-CGGCCGCCTTCTCCATTCTCCATGGCCCCACAAGCTTCCCTTCCCCCGGTGCCACCACGA[C>T]TTGACCTTCTGCCGCAGCGAGTATGTGTTCCCTCAAGTGCTTCTGCTCTTGGAACTGCTT-3'
Protein context (NP_005179.2, residues 490-510): QASLPPVPPR[Leu500Phe]DLLPQRVCVP

ClinVar aggregate classification (germline): Uncertain significance. Review status: criteria provided, multiple submitters, no conflicts (2 of 4 stars). 3 submissions from 3 submitters: Uncertain significance (2). 1 of the submissions does not count toward it. Last evaluated 2025-01-23.

Conditions:
Microcephaly. Also called: Microcephaly (disease). Identifiers: MedGen C4551563, MONDO:0001149, HP:0000252.
Cardiovascular phenotype. Identifiers: MedGen CN230736.

Submissions (3):

Ambry Genetics
Classification: Uncertain significance for Cardiovascular phenotype. Last evaluated: 2025-01-23. Review status: criteria provided, single submitter. Criteria: Ambry Variant Classification Scheme 2023. Collection method: clinical testing. Allele origin: germline.
Comment: The p.L500F variant (also known as c.1498C>T), located in coding exon 10 of the CBL gene, results from a C to T substitution at nucleotide position 1498. The leucine at codon 500 is replaced by phenylalanine, an amino acid with highly similar properties. This amino acid position is conserved. In addition, the in silico prediction for this alteration is inconclusive. Based on the available evidence, the clinical significance of this variant remains unclear.

Blueprint Genetics
Classification: Uncertain significance. Last evaluated: 2023-08-03. Review status: criteria provided, single submitter. Criteria: ACMG Guidelines, 2015. Collection method: clinical testing. Allele origin: germline.

Department of Pediatrics, Samsung Medical Center, Samsung Medical Center
Classification: Uncertain significance for Microcephaly. Review status: no assertion criteria provided. Criteria: ACMG Guidelines, 2015. Collection method: research. Allele origin: germline. Affected: yes. Not counted in ClinVar's aggregate classification.